The following is an entry in ClinVar:

ClinVar aggregate classification (germline): Uncertain significance (1 of 4 stars; one submission).

Submission:

GeneDx
Classification: Uncertain significance. Last evaluated: 2024-02-17. Review status: criteria provided, single submitter. Criteria: GeneDx Variant Classification Process June 2021. Collection method: clinical testing. Allele origin: germline. Affected: yes.
Comment: Not observed at significant frequency in large population cohorts (gnomAD); In silico analysis supports that this missense variant does not alter protein structure/function; Has not been previously published as pathogenic or benign to our knowledge

NM_001356.5(DDX3X):c.766G>A (p.Glu256Lys)

Gene: DDX3X (DEAD-box helicase 3 X-linked; plus strand). Cytogenetic location: Xp11.4.
Variant type: single nucleotide variant.
Coding change: c.766G>A on transcript NM_001356.5 (MANE Select); coding-DNA position 766, G replaced by A.
Protein change: p.Glu256Lys; replaces glutamic acid 256 with lysine.
Molecular consequence: missense variant. On other transcripts: non-coding transcript variant (1).
Genome position (GRCh38, 1-based): chrX:41,344,030, G>A. VCF-style: chrX-41344030-G-A. GRCh37 (hg19) VCF-style: chrX-41203283-G-A.
Other names: c.766G>A, p.Glu256Lys (NM_001193416.3); c.718G>A, p.Glu240Lys (NM_001193417.3); c.208G>A, p.Glu70Lys (NM_001363819.1); short protein forms E240K, E256K, E70K.
Identifiers: ClinVar variation 3369290 (VCV003369290.1).
Genomic context (GRCh38, chrX:41,344,030, plus strand): 5'-TGTGATGAACTTTTCAAACAGGGTAGGTAGAGTTAACTTAAAAATTAACTTATTTCTTAG[G>A]AAAATGGAAGGTATGGGCGCCGCAAACAATACCCAATCTCCTTGGTATTAGCACCAACGA-3'
Protein context (NP_001347.3, residues 246-266): GPGEALRAMK[Glu256Lys]NGRYGRRKQY